The following is an entry in ClinVar:

NM_001143809.2(BDNF):c.1A>G (p.Met1Val)

Gene: BDNF (brain derived neurotrophic factor; minus strand). Cytogenetic location: 11p14.1.
Variant type: single nucleotide variant.
Coding change: c.1A>G on transcript NM_001143809.2; coding-DNA position 1, A replaced by G.
Protein change: p.Met1Val; changes the start codon (methionine 1).
Molecular consequence: missense variant, initiator codon variant. On other transcripts: 5 prime UTR variant (3), intron variant (6).
Genome position (GRCh38, 1-based): chr11:27,701,036, T>C on the plus strand (A>G on the coding strand, the complement: BDNF is on the minus strand). VCF-style: chr11-27701036-T-C. GRCh37 (hg19) VCF-style: chr11-27722583-T-C.
Other names: c.-77A>G (NM_001143808.2); c.-124A>G (NM_001143810.2); c.-487A>G (NM_001143811.2); c.3+20376A>G (NM_170731.5); c.-22+19608A>G (NM_001143805.1); c.-22+19393A>G (NM_001143806.1); c.-22+19310A>G (NM_170732.4); c.-22+18475A>G (NM_001143807.2); and 1 more; short protein forms M1V.
Identifiers: ClinVar variation 5001543 (VCV005001543.1).

ClinVar aggregate classification (germline): Uncertain significance (1 of 4 stars; one submission).

Conditions:
BDNF-related disorder. Also called: BDNF-related condition.

gnomAD v4.1: 13 of 1,357,818 alleles (0.00096%); highest among the groups gnomAD compares: East Asian, 0.0046%; no homozygotes.

Submission:

PreventionGenetics, part of Exact Sciences
Classification: Uncertain significance for BDNF-related condition. Last evaluated: 2025-04-22. Review status: criteria provided, single submitter. Criteria: ACMG Guidelines, 2015. Collection method: clinical testing. Allele origin: germline.
Comment: The BDNF c.1A>G variant is predicted to disrupt the translation initiation site (Start loss). This alteration is pre-coding (c.-42472A>G) in an alternative transcript (NM_170735). To our knowledge, this variant has not been reported in the literature. This variant is reported in 0.064% of alleles in individuals of East Asian descent in gnomAD. At this time, the clinical significance of this variant is uncertain due to the absence of conclusive functional and genetic evidence.